The following is an entry in ClinVar:

ClinVar aggregate classification (germline): Uncertain significance. Review status: criteria provided, multiple submitters, no conflicts (2 of 4 stars). 3 submissions from 3 submitters: Uncertain significance (3). Last evaluated 2025-07-03.

Conditions:
Inborn genetic diseases. Identifiers: MedGen C0950123, MeSH D030342.

Allele frequency attached by ClinVar (database versions not stated): ExAC 0.00001; TOPMed 0.00002; gnomAD exomes 0.00001; gnomAD 0.00002.
gnomAD v4.1: 8 of 1,611,534 alleles (0.0005%); highest among the groups gnomAD compares: Admixed American, 0.013%; no homozygotes.

Submissions (3):

GeneDx
Classification: Uncertain significance. Last evaluated: 2025-07-03. Review status: criteria provided, single submitter. Criteria: GeneDx Variant Classification Process June 2021. Collection method: clinical testing. Allele origin: germline.
Comment: In silico analysis suggests that this missense variant does not alter protein structure/function; Has not been previously published as pathogenic or benign to our knowledge

Labcorp Genetics (formerly Invitae), Labcorp
Classification: Uncertain significance. Last evaluated: 2025-06-15. Review status: criteria provided, single submitter. Criteria: Invitae Variant Classification Sherloc (09022015). Collection method: clinical testing. Allele origin: germline.
Comment: This sequence change replaces serine, which is neutral and polar, with asparagine, which is neutral and polar, at codon 1008 of the ITPR1 protein (p.Ser1008Asn). This variant is present in population databases (rs771523624, gnomAD 0.01%). This variant has not been reported in the literature in individuals affected with ITPR1-related conditions. ClinVar contains an entry for this variant (Variation ID: 2889724). Invitae Evidence Modeling of protein sequence and biophysical properties (such as structural, functional, and spatial information, amino acid conservation, physicochemical variation, residue mobility, and thermodynamic stability) indicates that this missense variant is not expected to disrupt ITPR1 protein function with a negative predictive value of 95%. In summary, the available evidence is currently insufficient to determine the role of this variant in disease. Therefore, it has been classified as a Variant of Uncertain Significance.

Ambry Genetics
Classification: Uncertain significance for Inborn genetic diseases. Last evaluated: 2025-06-07. Review status: criteria provided, single submitter. Criteria: Ambry Variant Classification Scheme 2023. Collection method: clinical testing. Allele origin: germline.

NM_001378452.1(ITPR1):c.3095G>A (p.Ser1032Asn)

Gene: ITPR1 (inositol 1,4,5-trisphosphate receptor type 1; plus strand). Cytogenetic location: 3p26.1.
Variant type: single nucleotide variant.
Coding change: c.3095G>A on transcript NM_001378452.1 (MANE Select); coding-DNA position 3095, G replaced by A.
Protein change: p.Ser1032Asn; replaces serine 1032 with asparagine.
Molecular consequence: missense variant.
Genome position (GRCh38, 1-based): chr3:4,680,680, G>A. VCF-style: chr3-4680680-G-A. GRCh37 (hg19) VCF-style: chr3-4722364-G-A.
Other names: c.3023G>A (NM_002222.5); c.3068G>A, p.Ser1023Asn (NM_001099952.4); c.3050G>A, p.Ser1017Asn (NM_001168272.2); c.3023G>A, p.Ser1008Asn (NM_002222.7); short protein forms S1008N, S1017N, S1023N, S1032N.
Identifiers: ClinVar variation 2889724 (VCV002889724.6), dbSNP rs771523624, ClinGen allele CA2231584.
Genomic context (GRCh38, chr3:4,680,680, plus strand): 5'-ATGAAAGCAATTCCCAGACTTCAGAAACATCCTCCGGAAACAGCAGCCAAGAAGGGCCAA[G>A]TAATGTACCAGGTTAGTGATTCAGAATGGAATTTCAGCCATAGAATGGGACCTGGCTCTA-3'
Protein context (NP_001365381.1, residues 1022-1042): SSGNSSQEGP[Ser1032Asn]NVPGALDFEH